The following is an entry in ClinVar:

NM_000287.4(PEX6):c.44A>T (p.Glu15Val)

Gene: PEX6 (peroxisomal biogenesis factor 6; minus strand). Cytogenetic location: 6p21.1.
Variant type: single nucleotide variant.
Coding change: c.44A>T on transcript NM_000287.4 (MANE Select); coding-DNA position 44, A replaced by T.
Protein change: p.Glu15Val; replaces glutamic acid 15 with valine.
Molecular consequence: missense variant. On other transcripts: non-coding transcript variant (1).
Genome position (GRCh38, 1-based): chr6:42,979,107, T>A on the plus strand (A>T on the coding strand, the complement: PEX6 is on the minus strand). VCF-style: chr6-42979107-T-A. GRCh37 (hg19) VCF-style: chr6-42946845-T-A.
Other names: c.44A>T, p.Glu15Val (NM_001316313.2); short protein forms E15V.
Identifiers: ClinVar variation 2063538 (VCV002063538.1), dbSNP rs2481283863, ClinGen allele CA364169663.

ClinVar aggregate classification (germline): Uncertain significance (1 of 4 stars; one submission).

Conditions:
Peroxisome biogenesis disorder. Identifiers: Orphanet 79189, MedGen C1832200, MONDO:0019234. Disease mechanism: loss of function.

Submission:

Labcorp Genetics (formerly Invitae), Labcorp
Classification: Uncertain significance for Peroxisome biogenesis disorder. Last evaluated: 2022-03-23. Review status: criteria provided, single submitter. Criteria: Invitae Variant Classification Sherloc (09022015). Collection method: clinical testing. Allele origin: germline.
Comment: This sequence change replaces glutamic acid, which is acidic and polar, with valine, which is neutral and non-polar, at codon 15 of the PEX6 protein (p.Glu15Val). This variant is not present in population databases (gnomAD no frequency). This variant has not been reported in the literature in individuals affected with PEX6-related conditions. Algorithms developed to predict the effect of missense changes on protein structure and function are either unavailable or do not agree on the potential impact of this missense change (SIFT: "Tolerated"; PolyPhen-2: "Probably Damaging"; Align-GVGD: "Class C0"). In summary, the available evidence is currently insufficient to determine the role of this variant in disease. Therefore, it has been classified as a Variant of Uncertain Significance.